The following is an entry in ClinVar:

NM_001384140.1(PCDH15):c.250T>C (p.Trp84Arg)

Gene: PCDH15 (protocadherin related 15; minus strand). Cytogenetic location: 10q21.1.
Variant type: single nucleotide variant.
Coding change: c.250T>C on transcript NM_001384140.1 (MANE Select); coding-DNA position 250, T replaced by C.
Protein change: p.Trp84Arg; replaces tryptophan 84 with arginine.
Molecular consequence: missense variant.
Genome position (GRCh38, 1-based): chr10:54,378,850, A>G on the plus strand (T>C on the coding strand, the complement: PCDH15 is on the minus strand). VCF-style: chr10-54378850-A-G. GRCh37 (hg19) VCF-style: chr10-56138610-A-G.
Other names: c.184T>C, p.Trp62Arg (NM_001142768.2, NM_001142773.2, NM_001354404.2); c.265T>C, p.Trp89Arg (NM_001142769.4, NM_001142771.2, NM_001142763.2); c.250T>C, p.Trp84Arg (NM_001142770.3, NM_001142772.2, NM_001354411.2 and 8 more transcripts); short protein forms W62R, W84R, W89R.
Identifiers: ClinVar variation 1001958 (VCV001001958.9), dbSNP rs752604584, ClinGen allele CA5506752.

ClinVar aggregate classification (germline): Uncertain significance. Review status: criteria provided, multiple submitters, no conflicts (2 of 4 stars). 2 submissions from 2 submitters: Uncertain significance (2). Last evaluated 2022-06-03.

Conditions:
Inborn genetic diseases. Identifiers: MedGen C0950123, MeSH D030342.

Allele frequency attached by ClinVar (database versions not stated): TOPMed below 0.00001; gnomAD 0.00001.
gnomAD v4.1: 28 of 1,613,786 alleles (0.0017%); highest among the groups gnomAD compares: Non-Finnish European, 0.0022%; no homozygotes.

Submissions (2):

Ambry Genetics
Classification: Uncertain significance for Inborn genetic diseases. Last evaluated: 2022-06-03. Review status: criteria provided, single submitter. Criteria: Ambry Variant Classification Scheme 2023. Collection method: clinical testing. Allele origin: germline.

Labcorp Genetics (formerly Invitae), Labcorp
Classification: Uncertain significance. Last evaluated: 2020-10-20. Review status: criteria provided, single submitter. Criteria: Invitae Variant Classification Sherloc (09022015). Collection method: clinical testing. Allele origin: germline.
Comment: This sequence change replaces tryptophan with arginine at codon 84 of the PCDH15 protein (p.Trp84Arg). The tryptophan residue is moderately conserved and there is a moderate physicochemical difference between tryptophan and arginine. This variant is present in population databases (rs752604584, ExAC 0.006%). In summary, the available evidence is currently insufficient to determine the role of this variant in disease. Therefore, it has been classified as a Variant of Uncertain Significance. Algorithms developed to predict the effect of missense changes on protein structure and function are either unavailable or do not agree on the potential impact of this missense change (SIFT: "Deleterious"; PolyPhen-2: "Probably Damaging"; Align-GVGD: "Class C0"). This variant has not been reported in the literature in individuals with PCDH15-related conditions.